The following is an entry in ClinVar:

NM_000384.3(APOB):c.12005C>A (p.Ala4002Asp)

Gene: APOB (apolipoprotein B; minus strand). Cytogenetic location: 2p24.1.
Variant type: single nucleotide variant.
Coding change: c.12005C>A on transcript NM_000384.3 (MANE Select); coding-DNA position 12005, C replaced by A.
Protein change: p.Ala4002Asp; replaces alanine 4002 with aspartic acid.
Molecular consequence: missense variant.
Genome position (GRCh38, 1-based): chr2:21,004,351, G>T on the plus strand (C>A on the coding strand, the complement: APOB is on the minus strand). VCF-style: chr2-21004351-G-T. GRCh37 (hg19) VCF-style: chr2-21227223-G-T.
Other names: short protein forms A4002D.
Identifiers: ClinVar variation 2936010 (VCV002936010.4), dbSNP rs369364335, ClinGen allele CA345975484.

ClinVar aggregate classification (germline): Conflicting classifications of pathogenicity. Review status: criteria provided, conflicting classifications (1 of 4 stars). 2 submissions from 2 submitters: Uncertain significance (1); Likely benign (1). Last evaluated 2026-08-04.

Conditions:
Familial hypercholesterolemia. Also called: Familial hypercholesterolemias; Familial hypercholesterolaemia. Identifiers: MedGen C0020445, MONDO:0005439.
Familial hypobetalipoproteinemia 1. Also called: APOB-Related Familial Hypobetalipoproteinemia; Hypobetalipoproteinemia, normotriglyceridemic; Acanthocytosis with hypobetalipoproteinemia. Identifiers: MedGen C4551990, MONDO:0014252, OMIM 615558.
Hypercholesterolemia, autosomal dominant, type B (FHCL2). Also called: Familial Hypercholesterolemia Type B; APOLIPOPROTEIN B-100, FAMILIAL DEFECTIVE; APOLIPOPROTEIN B-100, FAMILIAL LIGAND-DEFECTIVE; HYPERCHOLESTEROLEMIA, FAMILIAL, DUE TO LIGAND-DEFECTIVE APOLIPOPROTEIN B; Hyperlipoproteinemia Type IIb; Familial hypercholesterolemia 2. Identifiers: MedGen C1704417, MONDO:0007751, OMIM 144010.

gnomAD v4.1: 7 of 1,613,862 alleles (0.00043%); highest among the groups gnomAD compares: Non-Finnish European, 0.00059%; no homozygotes.

Submissions (2):

Cambridge Genomics Laboratory, East Genomic Laboratory Hub, NHS Genomic Medicine Service
Classification: Uncertain significance for Familial hypercholesterolaemia. Last evaluated: 2026-08-04. Review status: criteria provided, single submitter. Criteria: ACGS Best Practice Guidelines for Variant Classification in Rare Disease 2020. Collection method: clinical testing. Allele origin: germline. Affected: yes.
Comment: PM2_Supporting,PP4

Labcorp Genetics (formerly Invitae), Labcorp
Classification: Likely benign for Familial hypobetalipoproteinemia 1; Hypercholesterolemia, autosomal dominant, type B. Last evaluated: 2025-02-09. Review status: criteria provided, single submitter. Criteria: Invitae Variant Classification Sherloc (09022015). Collection method: clinical testing. Allele origin: germline.